The following is an entry in ClinVar:

ClinVar aggregate classification (germline): Uncertain significance. Review status: criteria provided, multiple submitters, no conflicts (2 of 4 stars). 2 submissions from 2 submitters: Uncertain significance (2). Last evaluated 2023-08-23.

Conditions:
Cardiovascular phenotype. Identifiers: MedGen CN230736.
Hypertrophic cardiomyopathy. Also called: HYPERTROPHIC MYOCARDIOPATHY. Identifiers: Orphanet 217569, MedGen C0007194, MeSH D002312, MONDO:0005045, HP:0001639.

Allele frequency attached by ClinVar (database versions not stated): gnomAD 0.00001.
gnomAD v4.1: 1 of 1,614,080 alleles (0.000062%); highest among the groups gnomAD compares: African/African-American, 0.0013%; no homozygotes.

Submissions (2):

Ambry Genetics
Classification: Uncertain significance for Cardiovascular phenotype. Last evaluated: 2023-08-23. Review status: criteria provided, single submitter. Criteria: Ambry Variant Classification Scheme 2023. Collection method: clinical testing. Allele origin: germline.
Comment: The p.L1484I variant (also known as c.4450C>A), located in coding exon 30 of the MYH7 gene, results from a C to A substitution at nucleotide position 4450. The leucine at codon 1484 is replaced by isoleucine, an amino acid with highly similar properties. This amino acid position is well conserved in available vertebrate species. In addition, this alteration is predicted to be tolerated by in silico analysis. Since supporting evidence is limited at this time, the clinical significance of this alteration remains unclear.

Labcorp Genetics (formerly Invitae), Labcorp
Classification: Uncertain significance for Hypertrophic cardiomyopathy. Last evaluated: 2023-04-26. Review status: criteria provided, single submitter. Criteria: Invitae Variant Classification Sherloc (09022015). Collection method: clinical testing. Allele origin: germline.
Comment: In summary, the available evidence is currently insufficient to determine the role of this variant in disease. Therefore, it has been classified as a Variant of Uncertain Significance. Advanced modeling of protein sequence and biophysical properties (such as structural, functional, and spatial information, amino acid conservation, physicochemical variation, residue mobility, and thermodynamic stability) has been performed at Invitae for this missense variant, however the output from this modeling did not meet the statistical confidence thresholds required to predict the impact of this variant on MYH7 protein function. ClinVar contains an entry for this variant (Variation ID: 518934). This variant has not been reported in the literature in individuals affected with MYH7-related conditions. This variant is not present in population databases (gnomAD no frequency). This sequence change replaces leucine, which is neutral and non-polar, with isoleucine, which is neutral and non-polar, at codon 1484 of the MYH7 protein (p.Leu1484Ile).

NM_000257.4(MYH7):c.4450C>A (p.Leu1484Ile)

Genes: MHRT (myosin heavy chain associated RNA transcript; plus strand), MYH7 (myosin heavy chain 7; minus strand). Cytogenetic location: 14q11.2.
Variant type: single nucleotide variant.
Coding change: c.4450C>A on transcript NM_000257.4 (MANE Select); coding-DNA position 4450, C replaced by A.
Protein change: p.Leu1484Ile; replaces leucine 1484 with isoleucine.
Molecular consequence: missense variant. On other transcripts: non-coding transcript variant (1).
Genome position (GRCh38, 1-based): chr14:23,417,222, G>T on the plus strand (C>A on the coding strand, the complement: MYH7 is on the minus strand). VCF-style: chr14-23417222-G-T. GRCh37 (hg19) VCF-style: chr14-23886431-G-T.
Other names: c.4450C>A (LRG_384t1); short protein forms L1484I.
Identifiers: ClinVar variation 518934 (VCV000518934.14), dbSNP rs1555336651, ClinGen allele CA389038393.